The following is an entry in ClinVar:

ClinVar aggregate classification (germline): Uncertain significance (1 of 4 stars; one submission).

Conditions:
Cardiovascular phenotype. Identifiers: MedGen CN230736.

Submission:

Ambry Genetics
Classification: Uncertain significance for Cardiovascular phenotype. Last evaluated: 2022-10-14. Review status: criteria provided, single submitter. Criteria: Ambry Variant Classification Scheme 2023. Collection method: clinical testing. Allele origin: germline.
Comment: The p.I2203V variant (also known as c.6607A>G), located in coding exon 48 of the ABCA1 gene, results from an A to G substitution at nucleotide position 6607. The isoleucine at codon 2203 is replaced by valine, an amino acid with highly similar properties. This amino acid position is conserved. In addition, the in silico prediction for this alteration is inconclusive. Since supporting evidence is limited at this time, the clinical significance of this alteration remains unclear.

NM_005502.4(ABCA1):c.6607A>G (p.Ile2203Val)

Genes: ABCA1 (ATP binding cassette subfamily A member 1; minus strand), NIPSNAP3B (nipsnap homolog 3B; plus strand). Cytogenetic location: 9q31.1.
Variant type: single nucleotide variant.
Coding change: c.6607A>G on transcript NM_005502.4 (MANE Select); coding-DNA position 6607, A replaced by G.
Protein change: p.Ile2203Val; replaces isoleucine 2203 with valine.
Molecular consequence: missense variant.
Genome position (GRCh38, 1-based): chr9:104,785,434, T>C on the plus strand (A>G on the coding strand, the complement: ABCA1 is on the minus strand). VCF-style: chr9-104785434-T-C. GRCh37 (hg19) VCF-style: chr9-107547715-T-C.
Other names: short protein forms I2203V.
Identifiers: ClinVar variation 1754440 (VCV001754440.2), dbSNP rs1175353903, ClinGen allele CA374311162.